The following is an entry in ClinVar:

NM_004281.4(BAG3):c.1571T>C (p.Ile524Thr)

Gene: BAG3 (BAG cochaperone 3; plus strand). Cytogenetic location: 10q26.11.
Variant type: single nucleotide variant.
Coding change: c.1571T>C on transcript NM_004281.4 (MANE Select); coding-DNA position 1571, T replaced by C.
Protein change: p.Ile524Thr; replaces isoleucine 524 with threonine.
Molecular consequence: missense variant.
Genome position (GRCh38, 1-based): chr10:119,677,125, T>C. VCF-style: chr10-119677125-T-C. GRCh37 (hg19) VCF-style: chr10-121436637-T-C.
Other names: short protein forms I524T.
Identifiers: ClinVar variation 298962 (VCV000298962.37), dbSNP rs752390475, ClinGen allele CA5716575.

ClinVar aggregate classification (germline): Conflicting classifications of pathogenicity. Review status: criteria provided, conflicting classifications (1 of 4 stars). 4 submissions from 4 submitters: Uncertain significance (3); Likely benign (1). Last evaluated 2026-01-12.

Conditions:
Myofibrillar myopathy 6. Identifiers: Orphanet 199340, MedGen C2751831, MONDO:0013061, OMIM 612954.
Dilated cardiomyopathy 1HH (CMD1HH). Identifiers: Orphanet 154, MedGen C3151293, MONDO:0013479, OMIM 613881.
Long QT syndrome (LQTS). Identifiers: MedGen C0023976, MeSH D008133, MONDO:0002442. Disease mechanism: loss of function. Inheritance: Various modes of inheritance.

Allele frequency attached by ClinVar (database versions not stated): gnomAD exomes below 0.00001; ExAC 0.00001; gnomAD 0.00001.
gnomAD v4.1: 10 of 1,613,938 alleles (0.00062%); highest among the groups gnomAD compares: Middle Eastern, 0.016%; no homozygotes.

Submissions (4):

Labcorp Genetics (formerly Invitae), Labcorp
Classification: Uncertain significance for Dilated cardiomyopathy 1HH; Myofibrillar myopathy 6. Last evaluated: 2026-01-12. Review status: criteria provided, single submitter. Criteria: Invitae Variant Classification Sherloc (09022015). Collection method: clinical testing. Allele origin: germline.
Comment: This sequence change replaces isoleucine, which is neutral and non-polar, with threonine, which is neutral and polar, at codon 524 of the BAG3 protein (p.Ile524Thr). This variant is present in population databases (rs752390475, gnomAD 0.0009%). This variant has not been reported in the literature in individuals affected with BAG3-related conditions. ClinVar contains an entry for this variant (Variation ID: 298962). Invitae Evidence Modeling of protein sequence and biophysical properties (such as structural, functional, and spatial information, amino acid conservation, physicochemical variation, residue mobility, and thermodynamic stability) indicates that this missense variant is not expected to disrupt BAG3 protein function with a negative predictive value of 80%. In summary, the available evidence is currently insufficient to determine the role of this variant in disease. Therefore, it has been classified as a Variant of Uncertain Significance.

Dept of Medical Biology, Uskudar University
Classification: Uncertain significance for Long QT syndrome. Last evaluated: 2024-01-08. Review status: criteria provided, single submitter. Criteria: Dept of Medical Biology Variant Classification. Collection method: research. Allele origin: paternal. Affected: yes. Observed: 1 variant allele.
Comment: Criteria: PM2, BP4

GeneDx
Classification: Uncertain significance. Last evaluated: 2023-11-17. Review status: criteria provided, single submitter. Criteria: GeneDx Variant Classification Process June 2021. Collection method: clinical testing. Allele origin: germline. Affected: yes.
Comment: Not observed at significant frequency in large population cohorts (gnomAD); In silico analysis supports that this missense variant does not alter protein structure/function; Has not been previously published as pathogenic or benign to our knowledge

CeGaT Center for Human Genetics Tuebingen
Classification: Likely benign. Last evaluated: 2023-03-01. Review status: criteria provided, single submitter. Criteria: CeGaT Center For Human Genetics Tuebingen Variant Classification Criteria Version 2. Collection method: clinical testing. Allele origin: germline. Affected: yes. Observed: 1 variant allele.
Comment: BAG3: BP4